The following is an entry in ClinVar:

ClinVar aggregate classification (germline): Conflicting classifications of pathogenicity. Review status: criteria provided, conflicting classifications (1 of 4 stars). 3 submissions from 3 submitters: Likely pathogenic (1); Uncertain significance (2). Last evaluated 2025-12-12.

Conditions:
Hereditary cancer-predisposing syndrome. Also called: Neoplastic Syndromes, Hereditary; Tumor predisposition; Hereditary neoplastic syndrome; Hereditary Cancer Syndrome. Identifiers: Orphanet 140162, MedGen C0027672, MeSH D009386, MONDO:0015356.
Familial cancer of breast. Also called: BREAST CANCER, FAMILIAL; Hereditary breast cancer; hereditary breast carcinoma. Identifiers: Orphanet 227535, MedGen C0346153, MONDO:0016419, OMIM 114480. Disease mechanism: loss of function.

Allele frequency attached by ClinVar (database versions not stated): gnomAD 0.00001.
gnomAD v4.1: 1 of 1,614,012 alleles (0.000062%); highest among the groups gnomAD compares: Non-Finnish European, 0.000085%; no homozygotes.

Submissions (3):

Ambry Genetics
Classification: Likely pathogenic for Hereditary cancer-predisposing syndrome. Last evaluated: 2025-12-12. Review status: criteria provided, single submitter. Criteria: Ambry Variant Classification Scheme 2023. Collection method: clinical testing. Allele origin: germline.
Comment: The c.2996+3A>C intronic variant results from an A to C substitution 3 nucleotides after coding exon 9 in the PALB2 gene. This nucleotide position is highly conserved in available vertebrate species. In silico splice site analysis predicts that this alteration will weaken the native splice donor site. RNA studies have demonstrated that this alteration results in abnormal splicing in the set of samples tested (Ambry internal data). This variant is considered to be rare based on population cohorts in the Genome Aggregation Database (gnomAD). Based on the majority of available evidence to date, this variant is likely to be pathogenic.

Quest Diagnostics Nichols Institute San Juan Capistrano
Classification: Uncertain significance. Last evaluated: 2022-12-24. Review status: criteria provided, single submitter. Criteria: Quest Diagnostics criteria. Collection method: clinical testing. Allele origin: unknown.
Comment: The variant has not been reported in the published literature. The frequency of this variant in the general population, 0.0000066 (1/152192 chromosomes), is uninformative in assessment of its pathogenicity. Analysis of this variant using software algorithms for the prediction of the effect of nucleotide changes on splicing yielded predictions that this variant may affect proper PALB2 mRNA splicing . Based on the available information, we are unable to determine the clinical significance of this variant.

Labcorp Genetics (formerly Invitae), Labcorp
Classification: Uncertain significance for Familial cancer of breast. Last evaluated: 2018-01-30. Review status: criteria provided, single submitter. Criteria: Invitae Variant Classification Sherloc (09022015). Collection method: clinical testing. Allele origin: germline.
Comment: In summary, the available evidence is currently insufficient to determine the role of this variant in disease. Therefore, it has been classified as a Variant of Uncertain Significance. This sequence change falls in intron 9 of the PALB2 gene. It does not directly change the encoded amino acid sequence of the PALB2 protein, but it affects a nucleotide within the consensus splice site of the intron. This variant is not present in population databases (ExAC no frequency). This variant has not been reported in the literature in individuals with PALB2-related disease. Nucleotide substitutions within the consensus splice site are a relatively common cause of aberrant splicing (PMID: 17576681, 9536098). Algorithms developed to predict the effect of sequence changes on RNA splicing suggest that this variant may disrupt the consensus splice site, but this prediction has not been confirmed by published transcriptional studies.

Literature cited by the submitters: PubMed 17576681 (cited by Labcorp Genetics (formerly Invitae), Labcorp); PubMed 9536098 (cited by Labcorp Genetics (formerly Invitae), Labcorp).

NM_024675.4(PALB2):c.2996+3A>C

Gene: PALB2 (partner and localizer of BRCA2; minus strand). Cytogenetic location: 16p12.2.
Variant type: single nucleotide variant.
Coding change: c.2996+3A>C on transcript NM_024675.4 (MANE Select); 3 bases into the intron after coding-DNA position 2996, A replaced by C.
Molecular consequence: intron variant.
Genome position (GRCh38, 1-based): chr16:23,622,966, T>G on the plus strand (A>C on the coding strand, the complement: PALB2 is on the minus strand). VCF-style: chr16-23622966-T-G. GRCh37 (hg19) VCF-style: chr16-23634287-T-G.
Identifiers: ClinVar variation 566995 (VCV000566995.10), dbSNP rs876659931, ClinGen allele CA891844513.